The following is an entry in ClinVar:

NM_000363.5(TNNI3):c.382C>G (p.Leu128Val)

Gene: TNNI3 (troponin I3, cardiac type; minus strand). Cytogenetic location: 19q13.42.
Variant type: single nucleotide variant.
Coding change: c.382C>G on transcript NM_000363.5 (MANE Select); coding-DNA position 382, C replaced by G.
Protein change: p.Leu128Val; replaces leucine 128 with valine.
Molecular consequence: missense variant.
Genome position (GRCh38, 1-based): chr19:55,154,197, G>C on the plus strand (C>G on the coding strand, the complement: TNNI3 is on the minus strand). VCF-style: chr19-55154197-G-C. GRCh37 (hg19) VCF-style: chr19-55665565-G-C.
Other names: short protein forms L128V.
Identifiers: ClinVar variation 1735330 (VCV001735330.3), dbSNP rs2515498630, ClinGen allele CA407440787.

ClinVar aggregate classification (germline): Uncertain significance (1 of 4 stars; one submission).

Conditions:
Cardiovascular phenotype. Identifiers: MedGen CN230736.

Submission:

Ambry Genetics
Classification: Uncertain significance for Cardiovascular phenotype. Last evaluated: 2023-05-01. Review status: criteria provided, single submitter. Criteria: Ambry Variant Classification Scheme 2023. Collection method: clinical testing. Allele origin: germline.
Comment: The p.L128V variant (also known as c.382C>G), located in coding exon 7 of the TNNI3 gene, results from a C to G substitution at nucleotide position 382. The leucine at codon 128 is replaced by valine, an amino acid with highly similar properties. This amino acid position is highly conserved in available vertebrate species. In addition, this alteration is predicted to be deleterious by in silico analysis. Since supporting evidence is limited at this time, the clinical significance of this alteration remains unclear.